The following is an entry in ClinVar:

ClinVar aggregate classification (germline): Pathogenic (1 of 4 stars; one submission).

Conditions:
Retinitis pigmentosa 77 (RP77). Identifiers: MedGen C4310626, MONDO:0015013, OMIM 617304.

Submission:

3billion
Classification: Pathogenic for Retinitis pigmentosa 77. Last evaluated: 2023-06-05. Review status: criteria provided, single submitter. Criteria: ACMG Guidelines, 2015. Collection method: clinical testing. Allele origin: germline. Affected: yes.
Comment: The variant is not observed in the gnomAD v2.1.1 dataset. Predicted Consequence/Location: Canonical splice site: predicted to alter splicing and result in a loss or disruption of normal protein function. Multiple pathogenic loss-of-function variants are reported downstream of the variant. Therefore, this variant is classified as Pathogenic according to the recommendation of ACMG/AMP guideline.

NM_001329556.3(REEP6):c.518-2A>T

Gene: REEP6 (receptor accessory protein 6; plus strand). Cytogenetic location: 19p13.3.
Variant type: single nucleotide variant.
Coding change: c.518-2A>T on transcript NM_001329556.3 (MANE Plus Clinical); the canonical splice acceptor site of the intron before coding-DNA position 518, A replaced by T.
Molecular consequence: splice acceptor variant. On other transcripts: intron variant (1).
Genome position (GRCh38, 1-based): chr19:1,496,589, A>T. VCF-style: chr19-1496589-A-T. GRCh37 (hg19) VCF-style: chr19-1496588-A-T.
Other names: c.517+136A>T (NM_138393.4).
Identifiers: ClinVar variation 3776019 (VCV003776019.1).